The following is an entry in ClinVar:

ClinVar aggregate classification (germline): Likely benign. Review status: criteria provided, multiple submitters, no conflicts (2 of 4 stars). 2 submissions from 2 submitters: Likely benign (2). Last evaluated 2023-10-13.

Conditions:
Dilated cardiomyopathy 1JJ (CMD1JJ). Identifiers: Orphanet 154, MedGen C3808935, MONDO:0014095, OMIM 615235.

Allele frequency attached by ClinVar (database versions not stated): ExAC 0.00001; gnomAD 0.00001 and 0.00002; TOPMed 0.00002.
gnomAD v4.1: 9 of 1,613,980 alleles (0.00056%); highest among the groups gnomAD compares: Non-Finnish European, 0.00076%; no homozygotes.

Submissions (2):

Labcorp Genetics (formerly Invitae), Labcorp
Classification: Likely benign for Dilated cardiomyopathy 1JJ. Last evaluated: 2023-10-13. Review status: criteria provided, single submitter. Criteria: Invitae Variant Classification Sherloc (09022015). Collection method: clinical testing. Allele origin: germline.

GeneDx
Classification: Likely benign. Last evaluated: 2018-02-14. Review status: criteria provided, single submitter. Criteria: GeneDx Variant Classification (06012015). Collection method: clinical testing. Allele origin: germline. Affected: yes.
Comment: This variant is considered likely benign or benign based on one or more of the following criteria: it is a conservative change, it occurs at a poorly conserved position in the protein, it is predicted to be benign by multiple in silico algorithms, and/or has population frequency not consistent with disease.

NM_001105206.3(LAMA4):c.753A>C (p.Val251=)

Gene: LAMA4 (laminin subunit alpha 4; minus strand). Cytogenetic location: 6q21.
Variant type: single nucleotide variant.
Coding change: c.753A>C on transcript NM_001105206.3 (MANE Select); coding-DNA position 753, A replaced by C.
Protein change: p.Val251=; no amino-acid change (valine 251 retained).
Molecular consequence: synonymous variant.
Genome position (GRCh38, 1-based): chr6:112,189,171, T>G on the plus strand (A>C on the coding strand, the complement: LAMA4 is on the minus strand). VCF-style: chr6-112189171-T-G. GRCh37 (hg19) VCF-style: chr6-112510373-T-G.
Other names: c.753A>C, p.Val251= (NM_001105207.3, NM_002290.5); c.753A>C (LRG_433t2).
Identifiers: ClinVar variation 515319 (VCV000515319.5), dbSNP rs782296410, ClinGen allele CA3966053.